The following is an entry in ClinVar:

NM_001754.5(RUNX1):c.1101C>T (p.Gly367=)

Gene: RUNX1 (RUNX family transcription factor 1; minus strand). Cytogenetic location: 21q22.12.
Variant type: single nucleotide variant.
Coding change: c.1101C>T on transcript NM_001754.5 (MANE Select); coding-DNA position 1101, C replaced by T.
Protein change: p.Gly367=; no amino-acid change (glycine 367 retained).
Molecular consequence: synonymous variant.
Genome position (GRCh38, 1-based): chr21:34,792,477, G>A on the plus strand (C>T on the coding strand, the complement: RUNX1 is on the minus strand). VCF-style: chr21-34792477-G-A. GRCh37 (hg19) VCF-style: chr21-36164774-G-A.
Other names: NM_001754.5(RUNX1):c.1101C>T; p.Gly367=; c.1020C>T, p.Gly340= (NM_001001890.3).
Identifiers: ClinVar variation 1411773 (VCV001411773.9), dbSNP rs2145876802, ClinGen allele CA512341305.

ClinVar aggregate classification (germline): Likely benign. Review status: reviewed by expert panel (3 of 4 stars). 2 submissions from 2 submitters: Likely benign (1). 1 of the submissions does not count toward it. Last evaluated 2024-06-24.

Conditions:
Hereditary thrombocytopenia and hematologic cancer predisposition syndrome. Identifiers: Orphanet 71290, MedGen CN281654, MONDO:0011071.
Hereditary thrombocytopenia and hematological cancer predisposition syndrome associated with RUNX1. Also called: Familial Platelet Disorder with Propensity to Acute Myelogenous Leukemia; Familial thrombocytopenia with propensity to acute myelogenous leukemia; RUNX1 Familial Platelet Disorder with Associated Myeloid Malignancies; PLATELET DISORDER, ASPIRIN-LIKE. Identifiers: Orphanet 71290, MedGen C1832388, MeSH C563324, MONDO:0100083, OMIM 601399.

Submissions (2):

ClinGen Myeloid Malignancy Variant Curation Expert Panel
Classification: Likely benign for Hereditary thrombocytopenia and hematologic cancer predisposition syndrome. Last evaluated: 2024-06-24. Review status: reviewed by expert panel. Criteria: ClinGen MyeloMalig ACMG Specifications v2. Collection method: curation. Allele origin: germline. Inheritance: Autosomal dominant inheritance.
Comment: The variant NM_001754.5(RUNX1):c.1101C>T (p.Gly367=) is a synonymous change. It is not present in any population databases (gnomAD v2.1.1 and v3.1.2) with at least 20x coverage for RUNX1 (PM2_supporting). Furthermore, the variant has a SpliceAI score of ≤ 0.20 (SpliceAI DG:0.11), indicating a low likelihood of affecting splicing. Evolutionary conservation prediction algorithms suggest that the site is not conserved (PhyloP score 1.12 < 2.0) or that the variant is the reference nucleotide in only one primate and/or three mammal species (BP7). Additionally, there is no previous report of this variant. In summary, this variant meets criteria to be classified as likely benign. ACMG/AMP criteria applied, as specified by the Myeloid Malignancy Variant Curation Expert Panel for RUNX1: PM2_supporting, BP4, BP7.

Labcorp Genetics (formerly Invitae), Labcorp
Classification: Likely benign for Hereditary thrombocytopenia and hematological cancer predisposition syndrome associated with RUNX1. Last evaluated: 2022-10-13. Review status: criteria provided, single submitter. Criteria: Invitae Variant Classification Sherloc (09022015). Collection method: clinical testing. Allele origin: germline. Not counted in ClinVar's aggregate classification.